The following is an entry in ClinVar:

ClinVar aggregate classification (germline): Likely benign (1 of 4 stars; one submission).

Submission:

GeneDx
Classification: Likely benign. Last evaluated: 2021-06-22. Review status: criteria provided, single submitter. Criteria: GeneDx Variant Classification Process June 2021. Collection method: clinical testing. Allele origin: germline. Affected: yes.
Comment: This variant is associated with the following publications: (PMID: 27535533)

NM_003070.5(SMARCA2):c.682_683insCGC (p.Gln227_Gln228insPro)

Gene: SMARCA2 (SWI/SNF related, matrix associated, actin dependent regulator of chromatin, subfamily a, member 2; plus strand). Cytogenetic location: 9p24.3.
Variant type: Insertion.
Coding change: c.682_683insCGC on transcript NM_003070.5 (MANE Select); coding-DNA positions 682 to 683, CGC inserted.
Protein change: p.Gln227_Gln228insPro.
Molecular consequence: inframe insertion. On other transcripts: inframe indel (1).
Genome position: GRCh38 VCF-style: chr9-2039790-A-AGCC. GRCh37 (hg19) VCF-style: chr9-2039790-A-AGCC.
Other names: c.682_683insCGC, p.Gln227_Gln228insPro (NM_001289396.2, NM_001289397.2, NM_139045.4).
Identifiers: ClinVar variation 1329651 (VCV001329651.2), dbSNP rs753013339, ClinGen allele CA4962925.